The following is an entry in ClinVar:

NM_001041.4(SI):c.1910delinsGTCTTC (p.Phe637fs)

Gene: SI (sucrase-isomaltase; minus strand). Cytogenetic location: 3q26.1.
Variant type: Indel.
Coding change: c.1910delinsGTCTTC on transcript NM_001041.4 (MANE Select); coding-DNA position 1910, T replaced by GTCTTC.
Protein change: p.Phe637fs; shifts the reading frame from phenylalanine 637.
Molecular consequence: frameshift variant.
Genome position (GRCh38, 1-based): chr3:165,043,153, A replaced by GAAGAC on the plus strand (T replaced by GTCTTC on the coding strand, the reverse complement: SI is on the minus strand). VCF-style: chr3-165043153-A-GAAGAC. GRCh37 (hg19) VCF-style: chr3-164760941-A-GAAGAC.
Other names: short protein forms F637fs.
Identifiers: ClinVar variation 2193206 (VCV002193206.5), dbSNP rs2473358472, ClinGen allele CA2580069069.

ClinVar aggregate classification (germline): Pathogenic/Likely pathogenic. Review status: criteria provided, multiple submitters, no conflicts (2 of 4 stars). 2 submissions from 2 submitters: Pathogenic (1); Likely pathogenic (1). Last evaluated 2025-04-25.

Conditions:
Sucrase-isomaltase deficiency (CSID). Also called: SI DEFICIENCY; Congenital sucrose isomaltose malabsorption; Sucrose isomaltose enzyme deficiency; Deficiency of isomaltase. Identifiers: Orphanet 35122, MedGen C1283620, MONDO:0009114, OMIM 222900.

Submissions (2):

Labcorp Genetics (formerly Invitae), Labcorp
Classification: Pathogenic. Last evaluated: 2025-04-25. Review status: criteria provided, single submitter. Criteria: Invitae Variant Classification Sherloc (09022015). Collection method: clinical testing. Allele origin: germline.
Comment: This sequence change creates a premature translational stop signal (p.Phe637Cysfs*55) in the SI gene. It is expected to result in an absent or disrupted protein product. Loss-of-function variants in SI are known to be pathogenic (PMID: 16329100, 23103650, 25452324). Information on the frequency of this variant in the gnomAD database is not available, as this variant may be reported differently in the database. This variant has not been reported in the literature in individuals affected with SI-related conditions. For these reasons, this variant has been classified as Pathogenic.

Fulgent Genetics
Classification: Likely pathogenic for Sucrase-isomaltase deficiency. Last evaluated: 2024-05-15. Review status: criteria provided, single submitter. Criteria: ACMG Guidelines, 2015. Collection method: clinical testing. Allele origin: germline.

Literature cited by the submitters: PubMed 16329100 (cited by Labcorp Genetics (formerly Invitae), Labcorp); PubMed 23103650 (cited by Labcorp Genetics (formerly Invitae), Labcorp); PubMed 25452324 (cited by Labcorp Genetics (formerly Invitae), Labcorp).